The following is an entry in ClinVar:

ClinVar aggregate classification (germline): Likely benign. Review status: criteria provided, multiple submitters, no conflicts (2 of 4 stars). 5 submissions from 5 submitters: Likely benign (5). Last evaluated 2026-02-03.

Conditions:
Inborn genetic diseases. Identifiers: MedGen C0950123, MeSH D030342.
SLC52A3-related disorder. Also called: SLC52A3-related condition.
Brown-Vialetto-van Laere syndrome 1. Also called: BROWN-VIALETTO-VAN LAERE SYNDROME 1, MILD; PONTOBULBAR PALSY WITH DEAFNESS; BULBAR PALSY, PROGRESSIVE, WITH SENSORINEURAL DEAFNESS. Identifiers: Orphanet 572550, Orphanet 97229, MedGen C0796274, MONDO:0024537, OMIM 211530.

Allele frequency attached by ClinVar (database versions not stated): ESP Exome Variant Server 0.00015; gnomAD 0.00003 and 0.00004; ExAC 0.00010; gnomAD exomes 0.00004 and 0.00007; TOPMed 0.00003.
gnomAD v4.1: 67 of 1,614,070 alleles (0.0042%); highest among the groups gnomAD compares: South Asian, 0.018%; no homozygotes.

Submissions (5):

Labcorp Genetics (formerly Invitae), Labcorp
Classification: Likely benign for Brown-Vialetto-van Laere syndrome 1. Last evaluated: 2026-02-03. Review status: criteria provided, single submitter. Criteria: Invitae Variant Classification Sherloc (09022015). Collection method: clinical testing. Allele origin: germline.

Mayo Clinic Laboratories, Mayo Clinic
Classification: Likely benign. Last evaluated: 2025-08-02. Review status: criteria provided, single submitter. Criteria: ACMG Guidelines, 2015. Collection method: clinical testing. Allele origin: germline. Observed: 2 variant alleles.
Comment: BP4, BP7

PreventionGenetics, part of Exact Sciences
Classification: Likely benign for SLC52A3-related condition. Last evaluated: 2025-02-14. Review status: criteria provided, single submitter. Criteria: ACMG Guidelines, 2015. Collection method: clinical testing. Allele origin: germline.
Comment: This variant is classified as likely benign based on ACMG/AMP sequence variant interpretation guidelines (Richards et al. 2015 PMID: 25741868, with internal and published modifications).

Blueprint Genetics
Classification: Likely benign. Last evaluated: 2024-09-02. Review status: criteria provided, single submitter. Criteria: ACMG Guidelines, 2015. Collection method: clinical testing. Allele origin: germline.

Ambry Genetics
Classification: Likely benign for Inborn genetic diseases. Last evaluated: 2019-07-11. Review status: criteria provided, single submitter. Criteria: Ambry Variant Classification Scheme 2023. Collection method: clinical testing. Allele origin: germline.

NM_033409.4(SLC52A3):c.987T>C (p.Tyr329=)

Gene: SLC52A3 (solute carrier family 52 member 3; minus strand). Cytogenetic location: 20p13.
Variant type: single nucleotide variant.
Coding change: c.987T>C on transcript NM_033409.4 (MANE Select); coding-DNA position 987, T replaced by C.
Protein change: p.Tyr329=; no amino-acid change (tyrosine 329 retained).
Molecular consequence: synonymous variant.
Genome position (GRCh38, 1-based): chr20:763,584, A>G on the plus strand (T>C on the coding strand, the complement: SLC52A3 is on the minus strand). VCF-style: chr20-763584-A-G. GRCh37 (hg19) VCF-style: chr20-744228-A-G.
Other names: p.Tyr329=; c.987T>C, p.Tyr329= (NM_001370085.1, NM_001370086.1).
Identifiers: ClinVar variation 543060 (VCV000543060.15), dbSNP rs376546378, ClinGen allele CA9724635.